The following is an entry in ClinVar:

NM_004612.4(TGFBR1):c.50_58del (p.Leu17_Ala20delinsPro)

Gene: TGFBR1 (transforming growth factor beta receptor 1; plus strand). Cytogenetic location: 9q22.33.
Variant type: Deletion.
Coding change: c.50_58del on transcript NM_004612.4 (MANE Select); coding-DNA positions 50 to 58, 9 bases deleted (TGGCGGCGG; older notation c.50_58delTGGCGGCGG).
Protein change: p.Leu17_Ala20delinsPro.
Molecular consequence: inframe indel.
Genome position (GRCh38, 1-based): chr9:99,105,255-99,105,263, TGGCGGCGG deleted. VCF-style (leftmost placement, unchanged base first): chr9-99105254-CTGGCGGCGG-C. GRCh37 (hg19) VCF-style: chr9-101867536-CTGGCGGCGG-C.
Other names: c.50_58del, p.Leu17_Ala20delinsPro (NM_001130916.3, NM_001306210.2).
Identifiers: ClinVar variation 213862 (VCV000213862.1), dbSNP rs863223804, ClinGen allele CA320344.

ClinVar aggregate classification (germline): Benign (1 of 4 stars; one submission).

Submission:

GeneDx
Classification: Benign. Last evaluated: 2015-03-03. Review status: criteria provided, single submitter. Criteria: GeneDx Variant Classification (06012015). Collection method: clinical testing. Allele origin: germline. Affected: yes.
Comment: This variant was found in TAAD,TAADV2-1